The following is an entry in ClinVar:

NM_007129.5(ZIC2):c.637C>T (p.Gln213Ter)

Gene: ZIC2 (Zic family member 2; plus strand). Cytogenetic location: 13q32.3.
Variant type: single nucleotide variant.
Coding change: c.637C>T on transcript NM_007129.5 (MANE Select); coding-DNA position 637, C replaced by T.
Protein change: p.Gln213Ter; replaces glutamine 213 with a stop codon.
Molecular consequence: nonsense.
Genome position (GRCh38, 1-based): chr13:99,982,701, C>T. VCF-style: chr13-99982701-C-T. GRCh37 (hg19) VCF-style: chr13-100634955-C-T.
Other names: short protein forms Q213*.
Identifiers: ClinVar variation 450157 (VCV000450157.2), dbSNP rs753776168, ClinGen allele CA388637719.

ClinVar aggregate classification (germline): Pathogenic (1 of 4 stars; one submission).

Submission:

GeneDx
Classification: Pathogenic. Last evaluated: 2017-06-21. Review status: criteria provided, single submitter. Criteria: GeneDx Variant Classification (06012015). Collection method: clinical testing. Allele origin: germline. Affected: yes.
Comment: The Q213X nonsense variant in the ZIC2 gene is predicted to cause loss of normal protein function either through protein truncation or nonsense-mediated mRNA decay. The Q213X variant is not observed in large population cohorts (Lek et al., 2016; 1000 Genomes Consortium et al., 2015; Exome Variant Server). Although this pathogenic variant has not been reported previously to our knowledge, its presence is consistent with the diagnosis of holoprosencephaly.